The following is an entry in ClinVar:

NM_024426.6(WT1):c.799T>G (p.Ser267Ala)

Gene: WT1 (WT1 transcription factor; minus strand). Cytogenetic location: 11p13.
Variant type: single nucleotide variant.
Coding change: c.799T>G on transcript NM_024426.6 (MANE Select); coding-DNA position 799, T replaced by G.
Protein change: p.Ser267Ala; replaces serine 267 with alanine.
Molecular consequence: missense variant. On other transcripts: non-coding transcript variant (2).
Genome position (GRCh38, 1-based): chr11:32,428,044, A>C on the plus strand (T>G on the coding strand, the complement: WT1 is on the minus strand). VCF-style: chr11-32428044-A-C. GRCh37 (hg19) VCF-style: chr11-32449590-A-C.
Other names: c.799T>G, p.Ser267Ala (NM_000378.6, NM_001407044.1, NM_001407045.1 and 4 more transcripts); c.148T>G, p.Ser50Ala (NM_001198551.2, NM_001198552.2); c.676T>G, p.Ser226Ala (NM_001407047.1, NM_001407050.1); c.37T>G, p.Ser13Ala (NM_001407051.1); c.784T>G, p.Ser262Ala (NM_024425.2); short protein forms S267A, S262A, S13A, S226A, S50A.
Identifiers: ClinVar variation 2950151 (VCV002950151.3), dbSNP rs2494426516, ClinGen allele CA379963140.

ClinVar aggregate classification (germline): Uncertain significance (1 of 4 stars; one submission).

Conditions:
Frasier syndrome. Identifiers: Orphanet 347, MedGen C0950122, MeSH D052159, MONDO:0007635, OMIM 136680.
Drash syndrome (DDS). Also called: NEPHROPATHY, WILMS TUMOR, AND GENITAL ANOMALIES; WILMS TUMOR AND PSEUDO- OR TRUE HERMAPHRODITISM. Identifiers: Orphanet 220, MedGen C0950121, MONDO:0008682, OMIM 194080.
Wilms tumor 1 (WT1). Also called: Wilms tumor, somatic. Identifiers: Orphanet 654, MedGen CN033288, MONDO:0008679, OMIM 194070.
11p partial monosomy syndrome (WAGR). Also called: CHROMOSOME 11p13 DELETION SYNDROME; WAGR syndrome; WAGR Complex; WAGR Spectrum Disorder. Identifiers: Orphanet 893, MedGen C0206115, MONDO:0008681, OMIM 194072.

Submission:

Labcorp Genetics (formerly Invitae), Labcorp
Classification: Uncertain significance for Wilms tumor 1; Drash syndrome; 11p partial monosomy syndrome; Frasier syndrome. Last evaluated: 2023-07-21. Review status: criteria provided, single submitter. Criteria: Invitae Variant Classification Sherloc (09022015). Collection method: clinical testing. Allele origin: germline.
Comment: In summary, the available evidence is currently insufficient to determine the role of this variant in disease. Therefore, it has been classified as a Variant of Uncertain Significance. An algorithm developed to predict the effect of missense changes on protein structure and function (PolyPhen-2) suggests that this variant is likely to be tolerated. This variant has not been reported in the literature in individuals affected with WT1-related conditions. This variant is not present in population databases (gnomAD no frequency). This sequence change replaces serine, which is neutral and polar, with alanine, which is neutral and non-polar, at codon 262 of the WT1 protein (p.Ser262Ala).